The following is an entry in ClinVar:

NM_144599.5(NIPA1):c.701T>C (p.Leu234Pro)

Gene: NIPA1 (NIPA magnesium transporter 1; plus strand). Cytogenetic location: 15q11.2.
Variant type: single nucleotide variant.
Coding change: c.701T>C on transcript NM_144599.5 (MANE Select); coding-DNA position 701, T replaced by C.
Protein change: p.Leu234Pro; replaces leucine 234 with proline.
Molecular consequence: missense variant.
Genome position (GRCh38, 1-based): chr15:22,823,950, T>C. VCF-style: chr15-22823950-T-C. GRCh37 (hg19) VCF-style: chr15-23049118-A-G.
Other names: c.476T>C, p.Leu159Pro (NM_001142275.1); short protein forms L159P, L234P.
Identifiers: ClinVar variation 2062009 (VCV002062009.4), dbSNP rs2503820755, ClinGen allele CA391303977.

ClinVar aggregate classification (germline): Uncertain significance (1 of 4 stars; one submission).

Conditions:
Hereditary spastic paraplegia 6 (SPG6). Also called: SPASTIC PARAPLEGIA 6, AUTOSOMAL DOMINANT. Identifiers: Orphanet 100988, MedGen C1838192, MONDO:0010878, OMIM 600363.

Submission:

Labcorp Genetics (formerly Invitae), Labcorp
Classification: Uncertain significance for Hereditary spastic paraplegia 6. Last evaluated: 2022-04-06. Review status: criteria provided, single submitter. Criteria: Invitae Variant Classification Sherloc (09022015). Collection method: clinical testing. Allele origin: germline.
Comment: This sequence change replaces leucine, which is neutral and non-polar, with proline, which is neutral and non-polar, at codon 234 of the NIPA1 protein (p.Leu234Pro). In summary, the available evidence is currently insufficient to determine the role of this variant in disease. Therefore, it has been classified as a Variant of Uncertain Significance. Algorithms developed to predict the effect of missense changes on protein structure and function are either unavailable or do not agree on the potential impact of this missense change (SIFT: "Tolerated"; PolyPhen-2: "Probably Damaging"; Align-GVGD: "Class C0"). This variant has not been reported in the literature in individuals affected with NIPA1-related conditions. This variant is not present in population databases (gnomAD no frequency).